The following is an entry in ClinVar:

NM_020813.4(ZNF471):c.1423G>C (p.Val475Leu)

Gene: ZNF471 (zinc finger protein 471; plus strand). Cytogenetic location: 19q13.43.
Variant type: single nucleotide variant.
Coding change: c.1423G>C on transcript NM_020813.4 (MANE Select); coding-DNA position 1423, G replaced by C.
Protein change: p.Val475Leu; replaces valine 475 with leucine.
Molecular consequence: missense variant.
Genome position (GRCh38, 1-based): chr19:56,525,490, G>C. VCF-style: chr19-56525490-G-C. GRCh37 (hg19) VCF-style: chr19-57036859-G-C.
Other names: c.1201G>C, p.Val401Leu (NM_001321768.2); short protein forms V401L, V475L.
Identifiers: ClinVar variation 2650563 (VCV002650563.24), dbSNP rs138670329, ClinGen allele CA9690546.

ClinVar aggregate classification (germline): Likely benign (1 of 4 stars; one submission).

Allele frequency attached by ClinVar (database versions not stated): 1000 Genomes Project 30x 0.00062; 1000 Genomes Project 0.00080; TOPMed 0.00130; ESP Exome Variant Server 0.00131; gnomAD 0.00336; ExAC 0.00341.

Submission:

CeGaT Center for Human Genetics Tuebingen
Classification: Likely benign. Last evaluated: 2022-12-01. Review status: criteria provided, single submitter. Criteria: CeGaT Center For Human Genetics Tuebingen Variant Classification Criteria Version 2. Collection method: clinical testing. Allele origin: germline. Affected: yes. Observed: 1 variant allele.
Comment: ZNF471: BP4, BS2